The following is an entry in ClinVar:

NM_152419.3(HGSNAT):c.1348del (p.Asp450fs)

Gene: HGSNAT (heparan-alpha-glucosaminide N-acetyltransferase; plus strand). Cytogenetic location: 8p11.21.
Variant type: Deletion.
Coding change: c.1348del on transcript NM_152419.3 (MANE Select); coding-DNA position 1348, one base deleted (G; older notation c.1348delG).
Protein change: p.Asp450fs; shifts the reading frame from aspartic acid 450.
Molecular consequence: frameshift variant.
Genome position (GRCh38, 1-based): chr8:43,192,401, G deleted. VCF-style (leftmost placement, unchanged base first): chr8-43192400-CG-C. GRCh37 (hg19) VCF-style: chr8-43047543-CG-C.
Other names: NM_152419.3(HGSNAT):c.1348del; p.Asp450fs; c.1348del, p.Asp450fs (NM_001363227.2); c.1156del, p.Asp386fs (NM_001363228.2); c.484del, p.Asp162fs (NM_001363229.2); c.1348delG (NM_152419.2); c.1348del (NM_152419.2); short protein forms D162fs, D386fs, D450fs.
Identifiers: ClinVar variation 1074147 (VCV001074147.18), dbSNP rs771455190, ClinGen allele CA4736848.

ClinVar aggregate classification (germline): Pathogenic. Review status: criteria provided, multiple submitters, no conflicts (2 of 4 stars). 9 submissions from 9 submitters: Pathogenic (9). Last evaluated 2026-03-02.

Conditions:
HGSNAT-related disorders.
Mucopolysaccharidosis, MPS-III-C (MPS3C). Also called: MPS III C; Mucopolysaccharidosis type IIIC (Sanfilippo C); SANFILIPPO SYNDROME C; MUCOPOLYSACCHARIDOSIS, TYPE IIIC; mucopolysaccharidosis type 3C; MPS IIIC (Sanfilippo Syndrome Type C). Identifiers: Orphanet 581, Orphanet 79271, MedGen C0086649, MONDO:0009657, OMIM 252930.
Retinitis pigmentosa 73 (RP73). Identifiers: Orphanet 791, MedGen C4225287, MONDO:0014687, OMIM 616544.

Allele frequency attached by ClinVar (database versions not stated): gnomAD exomes below 0.00001; ExAC 0.00001; gnomAD 0.00001; TOPMed 0.00002.

Submissions (9):

Broad Center for Mendelian Genomics, Broad Institute of MIT and Harvard
Classification: Pathogenic for Mucopolysaccharidosis, MPS-III-C. Last evaluated: 2026-03-02. Review status: criteria provided, single submitter. Criteria: ACMG Guidelines, 2015. Collection method: research. Allele origin: germline. Inheritance: Autosomal recessive inheritance.
Comment: The p.Asp450IlefsTer32 variant in HGSNAT has been reported in at least 4 individuals with mucopolysaccharidosis type IIIC, and has been identified in 0.007% (1/15288) of African/African American chromosomes by the Genome Aggregation Database (gnomAD; dbSNP ID: rs752420375). Although this variant has been seen in the general population in a heterozygous state, its frequency is low enough to be consistent with a recessive carrier frequency. Of the 4 affected individuals, all were homozygotes, which increases the likelihood that the variant is pathogenic (PMID: 31228227, 28397838, 34374989). This variant has also been reported in ClinVar (Variation ID: 1074147) and has been interpreted as pathogenic by Fulgent Genetics, GeneDx, PerkinElmer Genomics, Invitae, and Natera, Inc. This variant is predicted to cause a frameshift, which alters the protein’s amino acid sequence beginning at position 450 and leads to a premature termination codon 32 amino acids downstream. This alteration is then predicted to lead to a truncated or absent protein. Loss of function of the HGSNAT gene is an established disease mechanism in autosomal recessive mucopolysaccharidosis type IIIC. In summary, this variant meets criteria to be classified as pathogenic for autosomal recessive mucopolysaccharidosis type IIIC. ACMG/AMP Criteria applied: PVS1, PM3, PM2_supporting (Richards 2015).

Labcorp Genetics (formerly Invitae), Labcorp
Classification: Pathogenic for Retinitis pigmentosa 73; Mucopolysaccharidosis, MPS-III-C. Last evaluated: 2025-10-26. Review status: criteria provided, single submitter. Criteria: Invitae Variant Classification Sherloc (09022015). Collection method: clinical testing. Allele origin: germline.
Comment: This sequence change creates a premature translational stop signal (p.Asp450Ilefs*32) in the HGSNAT gene. It is expected to result in an absent or disrupted protein product. Loss-of-function variants in HGSNAT are known to be pathogenic (PMID: 17033958, 19479962, 25859010). This variant is present in population databases (rs771455190, gnomAD 0.007%). This premature translational stop signal has been observed in individual(s) with mucopolysaccharidosis type IIIC (PMID: 28397838, 31228227). ClinVar contains an entry for this variant (Variation ID: 1074147). For these reasons, this variant has been classified as Pathogenic.

Dubai Health Genomic Medicine Center, Dubai Health
Classification: Pathogenic for Mucopolysaccharidosis type IIIC (Sanfilippo C). Last evaluated: 2024-10-04. Review status: criteria provided, single submitter. Criteria: ACMG Guidelines, 2015. Collection method: research. Allele origin: germline. Affected: yes.
Comment: PVS1,PM2,PP1,PM3

Natera, Inc.
Classification: Pathogenic for Mucopolysaccharidosis type IIIC. Last evaluated: 2024-07-02. Review status: criteria provided, single submitter. Criteria: Natera Variant Classification Schema (03/2026). Collection method: clinical testing. Allele origin: germline.
Comment: The c.1348delG variant in HGSNAT is a frameshift variant predicted to shift the reading frame beginning at codon 450 and leads to a stop codon 32 codons downstream. This variant is expected to result in nonsense mediated decay, truncation, or a dysfunctional protein product. This variant is rare in the general population with a frequency below the threshold expected for the associated phenotype(s). This variant has been observed in one or more individuals affected with the associated recessive disease, as either homozygous or compound heterozygous with a second variant (PMID: 31228227). Given the available evidence, this variant is classified as Pathogenic.

Laboratory for Molecular Medicine, Mass General Brigham Personalized Medicine
Classification: Pathogenic for Mucopolysaccharidosis, MPS-III-C. Last evaluated: 2023-08-28. Review status: criteria provided, single submitter. Criteria: ACMG Guidelines, 2015. Collection method: clinical testing. Allele origin: germline. Inheritance: Autosomal recessive inheritance.
Comment: The p.Asp450IlefsX32 variant in HGSNAT has been reported in 3 homozygous individuals with Mucopolysaccharidosis type IIIC (Martins 2019 PMID: 31228227; Saleh 2021 PMID: 34374989). It has also been identified in 0.005% (2/41424) of African/African-American chromosomes by gnomAD (v.3.1.2). However, this frequency is low enough to be consistent with a recessive allele frequency. This variant has also been reported in ClinVar (Variation ID 1074147). This variant is predicted to cause a frameshift, which alters the protein’s amino acid sequence beginning at position 450 and leads to a premature termination codon 32 amino acids downstream. This alteration is then predicted to lead to a truncated or absent protein. Loss of function of the HGSNAT gene is an established disease mechanism in autosomal recessive Mucopolysaccharidosis type IIIC (Hrebicek 2006 PMID: 17033958; Feldhammer 2009 PMID: 19479962). In summary, this variant meets criteria to be classified as pathogenic for autosomal recessive Mucopolysaccharidosis type IIIC. ACMG/AMP Criteria applied: PVS1, PM3, PM2_Supporting

GeneDx
Classification: Pathogenic. Last evaluated: 2023-01-30. Review status: criteria provided, single submitter. Criteria: GeneDx Variant Classification Process June 2021. Collection method: clinical testing. Allele origin: germline. Affected: yes.
Comment: Frameshift variant predicted to result in protein truncation or nonsense mediated decay in a gene for which loss of function is a known mechanism of disease; Not observed at significant frequency in large population cohorts (gnomAD); This variant is associated with the following publications: (PMID: 19479962, 17033958, 28397838, 34374989, 31228227)

Revvity Omics, Revvity
Classification: Pathogenic. Last evaluated: 2022-05-11. Review status: criteria provided, single submitter. Criteria: ACMG Guidelines, 2015. Collection method: clinical testing. Allele origin: germline.

Blueprint Genetics
Classification: Pathogenic for HGSNAT-related disorders. Last evaluated: 2022-02-07. Review status: criteria provided, single submitter. Criteria: ACMG Guidelines, 2015. Collection method: clinical testing. Allele origin: germline. Affected: yes. Observed: 1 variant allele.

Fulgent Genetics
Classification: Pathogenic for Mucopolysaccharidosis, MPS-III-C; Retinitis pigmentosa 73. Last evaluated: 2021-11-11. Review status: criteria provided, single submitter. Criteria: ACMG Guidelines, 2015. Collection method: clinical testing. Allele origin: unknown.

Literature cited by the submitters: PubMed 17033958 (cited by Labcorp Genetics (formerly Invitae), Labcorp and Laboratory for Molecular Medicine, Mass General Brigham Personalized Medicine); PubMed 19479962 (cited by Labcorp Genetics (formerly Invitae), Labcorp and Laboratory for Molecular Medicine, Mass General Brigham Personalized Medicine); PubMed 25859010 (cited by Labcorp Genetics (formerly Invitae), Labcorp); PubMed 28397838 (cited by Labcorp Genetics (formerly Invitae), Labcorp); PubMed 31228227 (cited by 3 submitters); PubMed 34374989 (cited by Laboratory for Molecular Medicine, Mass General Brigham Personalized Medicine).